The following is an entry in ClinVar:

ClinVar aggregate classification (germline): Likely benign. Review status: criteria provided, multiple submitters, no conflicts (2 of 4 stars). 3 submissions from 3 submitters: Likely benign (3). Last evaluated 2026-07-20.

Conditions:
Epidermolysis bullosa simplex 5B, with muscular dystrophy (EBS5B). Also called: Epidermolysis bullosa simplex with muscular dystrophy; EPIDERMOLYSIS BULLOSA SIMPLEX AND LIMB-GIRDLE MUSCULAR DYSTROPHY. Identifiers: Orphanet 257, MedGen C2931072, MONDO:0009181, OMIM 226670.
Epidermolysis bullosa simplex with nail dystrophy (EBS5D). Identifiers: MedGen C4225309, MONDO:0014661, OMIM 616487.
Autosomal recessive limb-girdle muscular dystrophy type 2Q (LGMDR17). Also called: MUSCULAR DYSTROPHY, LIMB-GIRDLE, AUTOSOMAL RECESSIVE 17. Identifiers: Orphanet 254361, MedGen C3150989, MONDO:0013390, OMIM 613723.
Epidermolysis bullosa simplex 5C, with pyloric atresia (EBS5C). Also called: PLEC-Related Epidermolysis Bullosa with Pyloric Atresia; Epidermolysis bullosa simplex with pyloric atresia; PLEC1-Related Epidermolysis Bullosa with Pyloric Atresia. Identifiers: Orphanet 158684, MedGen C2677349, MONDO:0012807, OMIM 612138.
Epidermolysis bullosa simplex, Ogna type (EBS5A). Also called: Pidermolysis bullosa simplex 5A, Ogna type; EPIDERMOLYSIS BULLOSA SIMPLEX 5A, OGNA TYPE. Identifiers: Orphanet 79401, MedGen C0432317, MONDO:0007555, OMIM 131950.
PLEC-related disorder. Also called: PLEC-related disorders; PLEC-related condition.

Allele frequency attached by ClinVar (database versions not stated): ExAC 0.00005; gnomAD 0.00006; TOPMed 0.00006; ESP Exome Variant Server 0.00008.
gnomAD v4.1: 108 of 1,611,782 alleles (0.0067%); highest among the groups gnomAD compares: Non-Finnish European, 0.0065%; no homozygotes.

Submissions (3):

PreventionGenetics, part of Exact Sciences
Classification: Likely benign for PLEC-related condition. Last evaluated: 2026-07-20. Review status: criteria provided, single submitter. Criteria: ACMG Guidelines, 2015. Collection method: clinical testing. Allele origin: germline.
Comment: This variant is classified as likely benign based on ACMG/AMP sequence variant interpretation guidelines (Richards et al. 2015 PMID: 25741868, with internal and published modifications).

Labcorp Genetics (formerly Invitae), Labcorp
Classification: Likely benign for Autosomal recessive limb-girdle muscular dystrophy type 2Q; Epidermolysis bullosa simplex, Ogna type; Epidermolysis bullosa simplex with nail dystrophy; Epidermolysis bullosa simplex 5C, with pyloric atresia; Epidermolysis bullosa simplex 5B, with muscular dystrophy. Last evaluated: 2025-08-06. Review status: criteria provided, single submitter. Criteria: Invitae Variant Classification Sherloc (09022015). Collection method: clinical testing. Allele origin: germline.

Blueprint Genetics
Classification: Likely benign. Last evaluated: 2024-06-14. Review status: criteria provided, single submitter. Criteria: ACMG Guidelines, 2015. Collection method: clinical testing. Allele origin: germline.

NM_201384.3(PLEC):c.1215G>A (p.Ala405=)

Gene: PLEC (plectin; minus strand). Cytogenetic location: 8q24.3.
Variant type: single nucleotide variant.
Coding change: c.1215G>A on transcript NM_201384.3 (MANE Select); coding-DNA position 1215, G replaced by A.
Protein change: p.Ala405=; no amino-acid change (alanine 405 retained).
Molecular consequence: synonymous variant.
Genome position (GRCh38, 1-based): chr8:143,934,046, C>T on the plus strand (G>A on the coding strand, the complement: PLEC is on the minus strand). VCF-style: chr8-143934046-C-T. GRCh37 (hg19) VCF-style: chr8-145008214-C-T.
Other names: c.1296G>A, p.Ala432= (NM_000445.5); c.1173G>A, p.Ala391= (NM_201378.4); c.1149G>A, p.Ala383= (NM_201379.3); c.1626G>A, p.Ala542= (NM_201380.4); c.1119G>A, p.Ala373= (NM_201381.3); c.1215G>A, p.Ala405= (NM_201382.4); c.1227G>A, p.Ala409= (NM_201383.3).
Identifiers: ClinVar variation 767238 (VCV000767238.10), dbSNP rs373392841, ClinGen allele CA4928099.